The following is an entry in ClinVar:

ClinVar aggregate classification (germline): Uncertain significance (1 of 4 stars; one submission).

Conditions:
Cardiovascular phenotype. Identifiers: MedGen CN230736.

Submission:

Ambry Genetics
Classification: Uncertain significance for Cardiovascular phenotype. Last evaluated: 2026-07-23. Review status: criteria provided, single submitter. Criteria: Ambry Variant Classification Scheme 2023. Collection method: clinical testing. Allele origin: germline.
Comment: The p.N266D variant (also known as c.796A>G), located in coding exon 14 of the TNNT2 gene, results from an A to G substitution at nucleotide position 796. The asparagine at codon 266 is replaced by aspartic acid, an amino acid with highly similar properties. This amino acid position is highly conserved in available vertebrate species. In addition, the in silico prediction for this alteration is inconclusive. Based on the available evidence, the clinical significance of this variant remains unclear.

NM_001276345.2(TNNT2):c.826A>G (p.Asn276Asp)

Gene: TNNT2 (troponin T2, cardiac type; minus strand). Cytogenetic location: 1q32.1.
Variant type: single nucleotide variant.
Coding change: c.826A>G on transcript NM_001276345.2 (MANE Select); coding-DNA position 826, A replaced by G.
Protein change: p.Asn276Asp; replaces asparagine 276 with aspartic acid.
Molecular consequence: missense variant.
Genome position (GRCh38, 1-based): chr1:201,359,648, T>C on the plus strand (A>G on the coding strand, the complement: TNNT2 is on the minus strand). VCF-style: chr1-201359648-T-C. GRCh37 (hg19) VCF-style: chr1-201328776-T-C.
Other names: c.817A>G, p.Asn273Asp (NM_000364.4, NM_001406723.1); c.796A>G, p.Asn266Asp (NM_001001430.3, NM_001276347.2, NM_001406724.1); c.787A>G, p.Asn263Asp (NM_001001431.3, NM_001406726.1, NM_001406727.1); c.778A>G, p.Asn260Asp (NM_001001432.3); c.697A>G, p.Asn233Asp (NM_001276346.2); c.793A>G, p.Asn265Asp (NM_001406725.1); c.781A>G, p.Asn261Asp (NM_001406728.1); short protein forms N261D, N265D, N276D, N266D, N263D, N273D, N233D, N260D.
Identifiers: ClinVar variation 5030983 (VCV005030983.1).
Genomic context (GRCh38, chr1:201,359,648, plus strand): 5'-GGGAGGGCTAGGCGAGAATGACCTCAGACACTTACACTTTCTGGTTATCGTTGATCCTGT[T>C]TCGGAGAACATTGATCTGCAAGAAAAGTGGGAAGGACAAAGAGCAACGCTGGAGCTGACT-3'
Protein context (NP_001263274.1, residues 266-286): QQKYEINVLR[Asn276Asp]RINDNQKVSK